The following is an entry in ClinVar:

NM_001035.3(RYR2):c.9134T>C (p.Val3045Ala)

Gene: RYR2 (ryanodine receptor 2; plus strand). Cytogenetic location: 1q43.
Variant type: single nucleotide variant.
Coding change: c.9134T>C on transcript NM_001035.3 (MANE Select); coding-DNA position 9134, T replaced by C.
Protein change: p.Val3045Ala; replaces valine 3045 with alanine.
Molecular consequence: missense variant.
Genome position (GRCh38, 1-based): chr1:237,700,234, T>C. VCF-style: chr1-237700234-T-C. GRCh37 (hg19) VCF-style: chr1-237863534-T-C.
Other names: short protein forms V3045A.
Identifiers: ClinVar variation 947957 (VCV000947957.11), dbSNP rs1687848357, ClinGen allele CA345405392.

ClinVar aggregate classification (germline): Uncertain significance (1 of 4 stars; one submission).

Conditions:
Catecholaminergic polymorphic ventricular tachycardia 1. Also called: VENTRICULAR TACHYCARDIA, CATECHOLAMINERGIC POLYMORPHIC, 1, WITH OR WITHOUT ATRIAL DYSFUNCTION AND/OR DILATED CARDIOMYOPATHY; VENTRICULAR TACHYCARDIA, STRESS-INDUCED POLYMORPHIC 1; RYR2-Related Catecholaminergic Polymorphic Ventricular Tachycardia. Identifiers: Orphanet 3286, MedGen C1631597, MONDO:0011484, OMIM 604772.

Allele frequency attached by ClinVar (database versions not stated): gnomAD exomes below 0.00001.
gnomAD v4.1: 1 of 1,551,998 alleles (0.000064%); highest among the groups gnomAD compares: Admixed American, 0.0019%; no homozygotes.

Submission:

Labcorp Genetics (formerly Invitae), Labcorp
Classification: Uncertain significance for Catecholaminergic polymorphic ventricular tachycardia 1. Last evaluated: 2020-04-02. Review status: criteria provided, single submitter. Criteria: Invitae Variant Classification Sherloc (09022015). Collection method: clinical testing. Allele origin: germline.
Comment: This sequence change replaces valine with alanine at codon 3045 of the RYR2 protein (p.Val3045Ala). The valine residue is highly conserved and there is a small physicochemical difference between valine and alanine. This variant is not present in population databases (ExAC no frequency). In summary, the available evidence is currently insufficient to determine the role of this variant in disease. Therefore, it has been classified as a Variant of Uncertain Significance. Algorithms developed to predict the effect of missense changes on protein structure and function (SIFT, PolyPhen-2, Align-GVGD) all suggest that this variant is likely to be disruptive, but these predictions have not been confirmed by published functional studies and their clinical significance is uncertain. This variant has not been reported in the literature in individuals with RYR2-related conditions.